The following is an entry in ClinVar:

NM_021930.6(RINT1):c.1538T>C (p.Val513Ala)

Gene: RINT1 (RAD50 interactor 1; plus strand). Cytogenetic location: 7q22.3.
Variant type: single nucleotide variant.
Coding change: c.1538T>C on transcript NM_021930.6 (MANE Select); coding-DNA position 1538, T replaced by C.
Protein change: p.Val513Ala; replaces valine 513 with alanine.
Molecular consequence: missense variant.
Genome position (GRCh38, 1-based): chr7:105,555,094, T>C. VCF-style: chr7-105555094-T-C. GRCh37 (hg19) VCF-style: chr7-105195541-T-C.
Other names: c.1304T>C, p.Val435Ala (NM_001346599.2); c.515T>C, p.Val172Ala (NM_001346600.2, NM_001346603.2); c.614T>C, p.Val205Ala (NM_001346601.2); short protein forms V172A, V205A, V435A, V513A.
Identifiers: ClinVar variation 2496974 (VCV002496974.3), dbSNP rs1791119086, ClinGen allele CA368811529.

ClinVar aggregate classification (germline): Uncertain significance (1 of 4 stars; one submission).

Allele frequency attached by ClinVar (database versions not stated): gnomAD exomes below 0.00001; gnomAD 0.00001.
gnomAD v4.1: 2 of 1,613,890 alleles (0.00012%); highest among the groups gnomAD compares: African/African-American, 0.0013%; no homozygotes.

Submission:

Ambry Genetics
Classification: Uncertain significance. Last evaluated: 2024-11-10. Review status: criteria provided, single submitter. Criteria: Ambry Variant Classification Scheme 2023. Collection method: clinical testing. Allele origin: germline.
Comment: The p.V513A variant (also known as c.1538T>C), located in coding exon 11 of the RINT1 gene, results from a T to C substitution at nucleotide position 1538. The valine at codon 513 is replaced by alanine, an amino acid with similar properties. This amino acid position is conserved. In addition, the in silico prediction for this alteration is inconclusive. Since supporting evidence is limited at this time, the clinical significance of this alteration remains unclear.